The following is an entry in ClinVar:

NM_000104.4(CYP1B1):c.503G>A (p.Gly168Asp)

Gene: CYP1B1 (cytochrome P450 family 1 subfamily B member 1; minus strand). Cytogenetic location: 2p22.2.
Variant type: single nucleotide variant.
Coding change: c.503G>A on transcript NM_000104.4 (MANE Select); coding-DNA position 503, G replaced by A.
Protein change: p.Gly168Asp; replaces glycine 168 with aspartic acid.
Molecular consequence: missense variant.
Genome position (GRCh38, 1-based): chr2:38,074,886, C>T on the plus strand (G>A on the coding strand, the complement: CYP1B1 is on the minus strand). VCF-style: chr2-38074886-C-T. GRCh37 (hg19) VCF-style: chr2-38302029-C-T.
Other names: NM_000104.4(CYP1B1):c.503G>A; p.Gly168Asp; short protein forms G168D.
Identifiers: ClinVar variation 402578 (VCV000402578.5), dbSNP rs200724605, ClinGen allele CA1620023.
Genomic context (GRCh38, chr2:38,074,886, plus strand): 5'-CCGTCCGCGCTGCCGCGCACCAGCAGCGCCACCAGCTCGCGCGCCTCGCTCAGCACGTGG[C>T]CCTCGAGGACTTGGCGGCTGCGCGGCTGGCGCGTGAAGAAGTTGCGCATCATGCTGTGGG-3'
Protein context (NP_000095.2, residues 158-178): RQPRSRQVLE[Gly168Asp]HVLSEARELV

ClinVar aggregate classification (germline): Uncertain significance. Review status: reviewed by expert panel (3 of 4 stars). 3 submissions from 3 submitters: Uncertain significance (1). 2 of the submissions do not count toward it. Last evaluated 2025-11-19.

Conditions:
CYP1B1-related glaucoma with or without anterior segment dysgenesis. Identifiers: MedGen CN375931, MONDO:0800472.
Anterior segment dysgenesis 6 (ASGD6). Also called: Anterior segment dysgenesis 6, multiple subtypes. Identifiers: MedGen C4310623, MONDO:0015016, OMIM 617315.
Glaucoma 3A. Also called: Glaucoma 3, primary congenital, A. Identifiers: Orphanet 98976, Orphanet 98977, MedGen C1856439, MONDO:0009277, OMIM 231300.
Glaucoma 3, primary infantile, B. Also called: GLC3B; GLAUCOMA, PRIMARY CONGENITAL, TYPE B; GLC3 type B; Primary congenital glaucoma type 3B; Glaucoma primary congenita type 3B. Identifiers: Orphanet 98976, MedGen C1832977, MONDO:0010968, OMIM 600975.

Allele frequency attached by ClinVar (database versions not stated): gnomAD 0.00001; gnomAD exomes 0.00001 and 0.00002; TOPMed 0.00001; 1000 Genomes Project 0.00020; ExAC 0.00006; 1000 Genomes Project 30x 0.00016.

Submissions (3):

ClinGen Glaucoma Variant Curation Expert Panel
Classification: Uncertain significance for CYP1B1-related glaucoma with or without anterior segment dysgenesis. Last evaluated: 2025-11-19. Review status: reviewed by expert panel. Criteria: ClinGen CYP1B1 ACMG Specifications V1 Approved. Collection method: curation. Allele origin: germline. Inheritance: Autosomal recessive inheritance.
Comment: The c.503G>A variant in CYP1B1 is a missense variant predicted to cause substitution of Glycine by Aspartic Acid at amino acid 168 (p.Gly168Asp). The highest minor allele frequency of this variant was in the South Asian genetic ancestry group of gnomAD (v4.1.0) = 0.00003528 (3 alleles out of 85,042), which met the ≤ 0.0005 threshold set for PM2_Supporting in a genetic ancestry group of at least 2,000 alleles. This missense variant was not predicted to affect splicing, as assessed with SpliceAI (≤ 0.1) and the REVEL score = 0.437, which was neither above nor below the thresholds for PP3 (≥ 0.644) or BP4 (≤ 0.290), predicting a damaging or benign impact on CYP1B1 function. A previous study (PMID: 19643970) demonstrated that the 17B estradiol activity levels of the Gly168Asp protein were not below the established threshold for that assay (<20% relative activity compared to background haplotype). This variant was also assessed in PMID: 19793111, however, the thresholds for abnormal impact on protein function in the assays could not be determined. This variant has not been identified as homozygous or compound heterozygous with another variant in CYP1B1, therefore PM3 was not applied. In summary, this variant met the criteria to receive a score of 1 and to be classified as a variant of uncertain significance (uncertain significance classification range -1 to 5, adapted from PMID: 32720330) for CYP1B1-related glaucoma with or without anterior segment dysgenesis (ASD) based on the ACMG/AMP criteria met, as specified by the ClinGen Glaucoma VCEP (v1.0, 06.11.2025): PM2_Supporting

Fulgent Genetics
Classification: Uncertain significance for Glaucoma 3A; Glaucoma 3, primary infantile, B; Anterior segment dysgenesis 6. Last evaluated: 2021-10-08. Review status: criteria provided, single submitter. Criteria: ACMG Guidelines, 2015. Collection method: clinical testing. Allele origin: unknown. Not counted in ClinVar's aggregate classification.

Laboratory for Molecular Medicine, Mass General Brigham Personalized Medicine
Classification: Uncertain significance. Last evaluated: 2016-03-28. Review status: criteria provided, single submitter. Criteria: LMM Criteria. Collection method: clinical testing. Allele origin: germline. Not counted in ClinVar's aggregate classification.
Comment: Variant identified in a genome or exome case(s) and assessed due to predicted null impact of the variant or pathogenic assertions in the literature or databases. Disclaimer: This variant has not undergone full assessment. Disease is adult-onset, does not meet crieteria for reporting.